The following is an entry in ClinVar:

NM_024809.5(TCTN2):c.526A>G (p.Thr176Ala)

Gene: TCTN2 (tectonic family member 2; plus strand). Cytogenetic location: 12q24.31.
Variant type: single nucleotide variant.
Coding change: c.526A>G on transcript NM_024809.5 (MANE Select); coding-DNA position 526, A replaced by G.
Protein change: p.Thr176Ala; replaces threonine 176 with alanine.
Molecular consequence: missense variant.
Genome position (GRCh38, 1-based): chr12:123,679,251, A>G. VCF-style: chr12-123679251-A-G. GRCh37 (hg19) VCF-style: chr12-124163798-A-G.
Other names: c.526A>G (NM_024809.3); c.523A>G, p.Thr175Ala (NM_001143850.3); c.526A>G, p.Thr176Ala (NM_001410989.1); short protein forms T176A, T175A.
Identifiers: ClinVar variation 2056926 (VCV002056926.3), dbSNP rs1003517391, ClinGen allele CA245189440.

ClinVar aggregate classification (germline): Uncertain significance. Review status: criteria provided, multiple submitters, no conflicts (2 of 4 stars). 2 submissions from 2 submitters: Uncertain significance (2). Last evaluated 2025-08-30.

Conditions:
Inborn genetic diseases. Identifiers: MedGen C0950123, MeSH D030342.
Joubert syndrome. Also called: CEREBELLOPARENCHYMAL DISORDER IV; JOUBERT-BOLTSHAUSER SYNDROME; Familial aplasia of the vermis. Identifiers: Orphanet 475, MedGen C5979921, MONDO:0018772.
Meckel-Gruber syndrome. Also called: DYSENCEPHALIA SPLANCHNOCYSTICA; GRUBER SYNDROME; Dysencephalia splachnocystica. Identifiers: Orphanet 564, MedGen C0265215, MONDO:0018921.

Allele frequency attached by ClinVar (database versions not stated): gnomAD exomes below 0.00001; TOPMed below 0.00001; gnomAD 0.00001.
gnomAD v4.1: 3 of 1,613,920 alleles (0.00019%); highest among the groups gnomAD compares: Non-Finnish European, 0.00025%; no homozygotes.

Submissions (2):

Ambry Genetics
Classification: Uncertain significance for Inborn genetic diseases. Last evaluated: 2025-08-30. Review status: criteria provided, single submitter. Criteria: Ambry Variant Classification Scheme 2023. Collection method: clinical testing. Allele origin: germline.

Labcorp Genetics (formerly Invitae), Labcorp
Classification: Uncertain significance for Joubert syndrome; Meckel-Gruber syndrome. Last evaluated: 2022-06-10. Review status: criteria provided, single submitter. Criteria: Invitae Variant Classification Sherloc (09022015). Collection method: clinical testing. Allele origin: germline.
Comment: In summary, the available evidence is currently insufficient to determine the role of this variant in disease. Therefore, it has been classified as a Variant of Uncertain Significance. Algorithms developed to predict the effect of missense changes on protein structure and function are either unavailable or do not agree on the potential impact of this missense change (SIFT: "Deleterious"; PolyPhen-2: "Possibly Damaging"; Align-GVGD: "Class C0"). This variant has not been reported in the literature in individuals affected with TCTN2-related conditions. This variant is not present in population databases (gnomAD no frequency). This sequence change replaces threonine, which is neutral and polar, with alanine, which is neutral and non-polar, at codon 176 of the TCTN2 protein (p.Thr176Ala).